The following is an entry in ClinVar:

NM_005334.3(HCFC1):c.3255G>A (p.Thr1085=)

Gene: HCFC1 (host cell factor C1; minus strand). Cytogenetic location: Xq28.
Variant type: single nucleotide variant.
Coding change: c.3255G>A on transcript NM_005334.3 (MANE Select); coding-DNA position 3255, G replaced by A.
Protein change: p.Thr1085=; no amino-acid change (threonine 1085 retained).
Molecular consequence: synonymous variant.
Genome position (GRCh38, 1-based): chrX:153,955,144, C>T on the plus strand (G>A on the coding strand, the complement: HCFC1 is on the minus strand). VCF-style: chrX-153955144-C-T. GRCh37 (hg19) VCF-style: chrX-153220595-C-T.
Identifiers: ClinVar variation 387634 (VCV000387634.7), dbSNP rs782017804, ClinGen allele CA10557223.

ClinVar aggregate classification (germline): Likely benign. Review status: criteria provided, multiple submitters, no conflicts (2 of 4 stars). 2 submissions from 2 submitters: Likely benign (2). Last evaluated 2023-10-20.

Conditions:
Methylmalonic acidemia with homocystinuria, type cblX (MAHCX). Also called: INTELLECTUAL DEVELOPMENTAL DISORDER, X-LINKED 3. Identifiers: Orphanet 369962, MedGen C0796208, MONDO:0010657, OMIM 309541.

Allele frequency attached by ClinVar (database versions not stated): ExAC below 0.00001; gnomAD exomes below 0.00001 and 0.00001; gnomAD 0.00005.
gnomAD v4.1: 10 of 1,207,570 alleles (0.00083%); highest among the groups gnomAD compares: African/African-American, 0.0018%; no homozygotes.

Submissions (2):

Labcorp Genetics (formerly Invitae), Labcorp
Classification: Likely benign for Methylmalonic acidemia with homocystinuria, type cblX. Last evaluated: 2023-10-20. Review status: criteria provided, single submitter. Criteria: Invitae Variant Classification Sherloc (09022015). Collection method: clinical testing. Allele origin: germline.

GeneDx
Classification: Likely benign. Last evaluated: 2016-07-26. Review status: criteria provided, single submitter. Criteria: GeneDx Variant Classification (06012015). Collection method: clinical testing. Allele origin: germline. Affected: yes.
Comment: This variant is considered likely benign or benign based on one or more of the following criteria: it is a conservative change, it occurs at a poorly conserved position in the protein, it is predicted to be benign by multiple in silico algorithms, and/or has population frequency not consistent with disease.